The following is an entry in ClinVar:

NM_000322.5(PRPH2):c.458AGA[1] (p.Lys154del)

Gene: PRPH2 (peripherin 2; minus strand). Cytogenetic location: 6p21.1.
Variant type: Microsatellite.
Coding change: c.458AGA[1] on transcript NM_000322.5 (MANE Select); one copy of the 3-base unit AGA starting at c.458; the reference has two copies in a row; one copy, 3 bases deleted; also written c.461_463del.
Protein change: p.Lys154del; deletes lysine 154.
Molecular consequence: inframe deletion.
Genome position (GRCh38, 1-based): chr6:42,721,872-42,721,874, TCT deleted on the plus strand (AGA on the coding strand, the reverse complement: PRPH2 is on the minus strand); deleting any 3 consecutive bases within chr6:42,721,872-42,721,879 gives the same sequence; the position shown is the placement nearest the transcript's 3' end. VCF-style (leftmost placement, unchanged base first): chr6-42721871-GTCT-G. GRCh37 (hg19) VCF-style: chr6-42689609-GTCT-G.
Other names: c.461_463del (NM_000322.5); c.461_463delAGA (NM_000322.4); short protein forms K154del.
Identifiers: ClinVar variation 13178 (VCV000013178.13), dbSNP rs61755786, ClinGen allele CA213097.

ClinVar aggregate classification (germline): Pathogenic. Review status: criteria provided, multiple submitters, no conflicts (2 of 4 stars). 10 submissions from 8 submitters: Pathogenic (6). 4 of the submissions do not count toward it. Last evaluated 2025-08-16.

Conditions:
PRPH2-related disorder. Also called: PRPH2-related condition; PRPH2-related disorders. Identifiers: MedGen CN239395.
Retinitis pigmentosa 7 (RP7). Identifiers: Orphanet 791, MedGen C1842475, MONDO:0011974, OMIM 608133.
Stargardt disease (FFM). Also called: Stargardt's disease; Fundus flavimaculatus. Identifiers: Orphanet 827, MedGen C0271093, MONDO:0019353.
Patterned macular dystrophy 1. Also called: MACULAR DYSTROPHY, BUTTERFLY-SHAPED PIGMENTARY; BUTTERFLY DYSTROPHY OF RETINAL PIGMENT EPITHELIUM. Identifiers: Orphanet 99001, MedGen C4551999, MONDO:0008210, OMIM 169150.
Retinal dystrophy. Also called: Inherited retinal dystrophy. Identifiers: Orphanet 71862, MedGen C0854723, MeSH D058499, MONDO:0019118, HP:0000556.
Cone-rod dystrophy. Also called: Cone/cone-rod dystrophy; Cone-rod degeneration. Identifiers: Orphanet 1872, MedGen C4085590, MONDO:0015993, HP:0000548.

Submissions (10):

Labcorp Genetics (formerly Invitae), Labcorp
Classification: Pathogenic for PRPH2-related disorder. Last evaluated: 2025-08-16. Review status: criteria provided, single submitter. Criteria: Invitae Variant Classification Sherloc (09022015). Collection method: clinical testing. Allele origin: germline.
Comment: This variant, c.461_463del, results in the deletion of 1 amino acid(s) of the PRPH2 protein (p.Lys154del), but otherwise preserves the integrity of the reading frame. This variant is not present in population databases (gnomAD no frequency). This variant has been observed in individuals with clinical features of inherited retinal disease (PMID: 8240110; internal data). It has also been observed to segregate with disease in related individuals. ClinVar contains an entry for this variant (Variation ID: 13178). Algorithms developed to predict the effect of variants on gene product structure and function are not available or were not evaluated for this variant. Experimental studies have shown that this variant affects PRPH2 function (PMID: 27365499). This variant disrupts the p.Lys154 amino acid residue in PRPH2. Other variant(s) that disrupt this residue have been observed in individuals with PRPH2-related conditions (PMID: 26161267), which suggests that this may be a clinically significant amino acid residue. For these reasons, this variant has been classified as Pathogenic.

3billion
Classification: Pathogenic for PRPH2-related disorder. Last evaluated: 2024-12-19. Review status: criteria provided, single submitter. Criteria: ACMG Guidelines, 2015. Collection method: clinical testing. Allele origin: germline. Affected: yes.
Comment: The variant is observed at an extremely low frequency in the gnomAD v4.1.0 dataset (total allele frequency: <0.001%). Predicted Consequence/Location: The variant is located in a mutational hot spot and/or well-established functional domain in which established pathogenic variants have been reported (PMID: 38474159). Inframe deletion located in a nonrepeat region: predicted to change the length of the protein and disrupt normal protein function. Functional studies provide strong evidence of the variant having a damaging effect on the gene or gene product (PMID: 27365499). The variant has been reported to co-segregate with the disease in at least 3 similarly affected relatives/individuals in the same family or similarly affected unrelated families (PMID: 8240110). The variant has been reported at least twice as pathogenic without evidence for the classification (ClinVar ID: VCV000013178 /PMID: 8240110). Therefore, this variant is classified as Pathogenic according to the recommendation of ACMG/AMP guideline.

Blueprint Genetics
Classification: Pathogenic for PRPH2-related disorders. Last evaluated: 2022-11-18. Review status: criteria provided, single submitter. Criteria: ACMG Guidelines, 2015. Collection method: clinical testing. Allele origin: germline. Affected: yes. Observed: 5 variant alleles.

NEI Ophthalmic Genomics Laboratory, National Institutes of Health
Classification: Pathogenic for Stargardt disease. Last evaluated: 2020-01-07. Review status: criteria provided, single submitter. Criteria: ACMG Guidelines, 2015. Collection method: clinical testing. Allele origin: germline. Affected: yes.
Comment: The variant NM_000322.4:c.461_463delAGA in the PRPH2 gene has been previously studied(PMIDs 8240110, 25412400, 27365499). We found this variant in 2 patient(s) in a PRPH2 cohort study (Reeves et al. 2020). This variant is listed in dbSNP and/or HGMD (rs61755786). It is absent in gnomAD browser. It is enriched in the PRPH2 disease cohort. We invoked ACMG criteria [PS4, PM2, PM4, PP1, PP5] and classified NM_000322.4:c.461_463delAGA in the PRPH2 gene as a Pathogenic mutation.

NEI Ophthalmic Genomics Laboratory, National Institutes of Health
Classification: Pathogenic for Cone-rod dystrophy. Last evaluated: 2020-01-07. Review status: criteria provided, single submitter. Criteria: ACMG Guidelines, 2015. Collection method: clinical testing. Allele origin: germline. Affected: yes.
Comment: the same text as in the submission from NEI Ophthalmic Genomics Laboratory, National Institutes of Health above.

Institute of Human Genetics, Univ. Regensburg, Univ. Regensburg
Classification: Pathogenic for Retinal dystrophy. Last evaluated: 2020-01-01. Review status: criteria provided, single submitter. Criteria: ACMG Guidelines, 2015. Collection method: clinical testing. Allele origin: germline. Affected: yes.

Leiden Open Variation Database
Classification: Likely pathogenic. Last evaluated: 2021-05-21. Review status: no assertion criteria provided. Collection method: curation. Allele origin: germline. Affected: yes. Not counted in ClinVar's aggregate classification.
Comment: Curator: Global Variome, with Curator vacancy. Submitters to LOVD: Andreas Laner, LOVD, Manon Peeters.

OMIM
Classification: Pathogenic for RETINITIS PIGMENTOSA 7. Last evaluated: 1993-11-01. Review status: no assertion criteria provided. Collection method: literature only. Allele origin: germline. Not counted in ClinVar's aggregate classification.

OMIM
Classification: Pathogenic for MACULAR DYSTROPHY, PATTERNED, 1. Last evaluated: 1993-11-01. Review status: no assertion criteria provided. Collection method: literature only. Allele origin: germline. Not counted in ClinVar's aggregate classification.

Retina International
No classification provided. Review status: no classification provided. Collection method: not provided. Allele origin: not provided. Not counted in ClinVar's aggregate classification.

Literature cited by the submitters: PubMed 8240110 (cited by 5 submitters); PubMed 27365499 (cited by 3 submitters); PubMed 26161267 (cited by Labcorp Genetics (formerly Invitae), Labcorp); PubMed 25412400 (cited by Institute of Human Genetics, Univ. Regensburg, Univ. Regensburg and Leiden Open Variation Database); PubMed 32660024 (cited by Institute of Human Genetics, Univ. Regensburg, Univ. Regensburg and Leiden Open Variation Database); PubMed 32531846 (cited by Institute of Human Genetics, Univ. Regensburg, Univ. Regensburg and Leiden Open Variation Database); PubMed 32531858 (cited by Institute of Human Genetics, Univ. Regensburg, Univ. Regensburg); PubMed 34411390 (cited by Institute of Human Genetics, Univ. Regensburg, Univ. Regensburg).